The following is an entry in ClinVar:

ClinVar aggregate classification (germline): Likely benign. Review status: criteria provided, multiple submitters, no conflicts (2 of 4 stars). 2 submissions from 2 submitters: Likely benign (2). Last evaluated 2018-06-19.

Allele frequency attached by ClinVar (database versions not stated): gnomAD exomes 0.00070 and 0.00194; ExAC 0.00242; gnomAD 0.00703 and 0.00741; ESP Exome Variant Server 0.00785; TOPMed 0.00785; 1000 Genomes Project 0.01138; 1000 Genomes Project 30x 0.01156.
gnomAD v4.1: 2,094 of 1,546,536 alleles (0.14%); highest among the groups gnomAD compares: African/African-American, 2.4%; 23 homozygotes.

Submissions (2):

GeneDx
Classification: Likely benign. Last evaluated: 2018-06-19. Review status: criteria provided, single submitter. Criteria: GeneDx Variant Classification (06012015). Collection method: clinical testing. Allele origin: germline. Affected: yes.
Comment: This variant is considered likely benign or benign based on one or more of the following criteria: it is a conservative change, it occurs at a poorly conserved position in the protein, it is predicted to be benign by multiple in silico algorithms, and/or has population frequency not consistent with disease.

Breakthrough Genomics
Classification: Likely benign. Review status: criteria provided, single submitter. Criteria: ACMG Guidelines, 2015. Collection method: not provided. Allele origin: germline. Inheritance: Unknown mechanism. Affected: yes.

NM_004517.4(ILK):c.351+39G>A

Genes: ILK (integrin linked kinase; plus strand), TAF10 (TATA-box binding protein associated factor 10; minus strand). Cytogenetic location: 11p15.4.
Variant type: single nucleotide variant.
Coding change: c.351+39G>A on transcript NM_004517.4 (MANE Select); 39 bases into the intron after coding-DNA position 351, G replaced by A.
Molecular consequence: intron variant. On other transcripts: 3 prime UTR variant (1).
Genome position (GRCh38, 1-based): chr11:6,608,528, G>A. VCF-style: chr11-6608528-G-A. GRCh37 (hg19) VCF-style: chr11-6629758-G-A.
Other names: c.*2394C>T (NM_006284.4); c.351+39G>A (NM_001014795.3, NM_001278441.2, NM_001014794.3); c.-52+39G>A (NM_001278442.2).
Identifiers: ClinVar variation 673644 (VCV000673644.3), dbSNP rs80013891, ClinGen allele CA5858026.
Genomic context (GRCh38, chr11:6,608,528, plus strand): 5'-GGGCCAAGATCAAGTGGCAGAGGTGAGTACTCAGCCCTTAATTCCTGAGATGGGTAGGAA[G>A]TAAAGTCTGAGCCTTGGTGGGAGATTTTGGAACCCTCAACCCATTCTGTCAGTACTACTG-3'